The following is an entry in ClinVar:

NM_001294.4(CLPTM1):c.1265G>T (p.Ser422Ile)

Gene: CLPTM1 (CLPTM1 regulator of GABA type A receptor forward trafficking; plus strand). Cytogenetic location: 19q13.32.
Variant type: single nucleotide variant.
Coding change: c.1265G>T on transcript NM_001294.4 (MANE Select); coding-DNA position 1265, G replaced by T.
Protein change: p.Ser422Ile; replaces serine 422 with isoleucine.
Molecular consequence: missense variant.
Genome position (GRCh38, 1-based): chr19:44,990,527, G>T. VCF-style: chr19-44990527-G-T. GRCh37 (hg19) VCF-style: chr19-45493785-G-T.
Other names: c.1223G>T, p.Ser408Ile (NM_001282175.2); c.959G>T, p.Ser320Ile (NM_001282176.2); short protein forms S320I, S408I, S422I.
Identifiers: ClinVar variation 3613119 (VCV003613119.2).

ClinVar aggregate classification (germline): Uncertain significance (1 of 4 stars; one submission).

gnomAD v4.1: 1 of 1,614,134 alleles (0.000062%); highest among the groups gnomAD compares: Non-Finnish European, 0.000085%; no homozygotes.

Submission:

Labcorp Genetics (formerly Invitae), Labcorp
Classification: Uncertain significance. Last evaluated: 2024-02-04. Review status: criteria provided, single submitter. Criteria: Invitae Variant Classification Sherloc (09022015). Collection method: clinical testing. Allele origin: germline.
Comment: This sequence change replaces serine, which is neutral and polar, with isoleucine, which is neutral and non-polar, at codon 422 of the CLPTM1 protein (p.Ser422Ile). This variant is not present in population databases (gnomAD no frequency). This variant has not been reported in the literature in individuals affected with CLPTM1-related conditions. An algorithm developed to predict the effect of missense changes on protein structure and function (PolyPhen-2) suggests that this variant is likely to be disruptive. In summary, the available evidence is currently insufficient to determine the role of this variant in disease. Therefore, it has been classified as a Variant of Uncertain Significance.